The following is an entry in ClinVar:

NM_016628.5(WAC):c.105_106insGA (p.Pro36fs)

Gene: WAC (WW domain containing adaptor with coiled-coil; plus strand). Cytogenetic location: 10p12.1.
Variant type: Insertion.
Coding change: c.105_106insGA on transcript NM_016628.5 (MANE Select); coding-DNA positions 105 to 106, GA inserted.
Protein change: p.Pro36fs; shifts the reading frame from proline 36.
Molecular consequence: frameshift variant. On other transcripts: 5 prime UTR variant (1).
Genome position: GRCh38 VCF-style: chr10-28535588-C-CGA. GRCh37 (hg19) VCF-style: chr10-28824517-C-CGA.
Other names: c.-31_-30insGA (NM_100264.3); c.105_106insGA, p.Pro36fs (NM_100486.4); short protein forms P36fs.
Identifiers: ClinVar variation 4846961 (VCV004846961.1).

ClinVar aggregate classification (germline): Likely pathogenic (1 of 4 stars; one submission).

Conditions:
DeSanto-Shinawi syndrome due to WAC point mutation (DESSH). Also called: DEVELOPMENTAL DELAY, BEHAVIORAL ABNORMALITIES, FACIAL DYSMORPHISM, AND OCULAR ABNORMALITIES; WAC-Related Intellectual Disability; Facial dysmorphism-developmental delay-behavioral abnormalities syndrome due to WAC point mutation. Identifiers: Orphanet 284169, Orphanet 466950, MedGen C5681129, MONDO:0014741, OMIM 616708.

Submission:

Laboratorio de Genetica e Diagnostico Molecular, Hospital Israelita Albert Einstein
Classification: Likely pathogenic for DeSanto-Shinawi syndrome due to WAC point mutation. Last evaluated: 2025-06-27. Review status: criteria provided, single submitter. Criteria: ACMG Guidelines, 2015. Collection method: clinical testing. Allele origin: germline. Affected: yes.
Comment: ACMG classification criteria: PVS1 very strong, PM2 supporting